The following is an entry in ClinVar:

NM_001035.3(RYR2):c.4276-19G>A

Gene: RYR2 (ryanodine receptor 2; plus strand). Cytogenetic location: 1q43.
Variant type: single nucleotide variant.
Coding change: c.4276-19G>A on transcript NM_001035.3 (MANE Select); 19 bases into the intron before coding-DNA position 4276, G replaced by A.
Molecular consequence: intron variant.
Genome position (GRCh38, 1-based): chr1:237,593,457, G>A. VCF-style: chr1-237593457-G-A. GRCh37 (hg19) VCF-style: chr1-237756757-G-A.
Identifiers: ClinVar variation 2086010 (VCV002086010.4), dbSNP rs1298518187, ClinGen allele CA733325237.

ClinVar aggregate classification (germline): Uncertain significance (1 of 4 stars; one submission).

Conditions:
Catecholaminergic polymorphic ventricular tachycardia 1. Also called: VENTRICULAR TACHYCARDIA, CATECHOLAMINERGIC POLYMORPHIC, 1, WITH OR WITHOUT ATRIAL DYSFUNCTION AND/OR DILATED CARDIOMYOPATHY; RYR2-Related Catecholaminergic Polymorphic Ventricular Tachycardia; VENTRICULAR TACHYCARDIA, STRESS-INDUCED POLYMORPHIC 1. Identifiers: Orphanet 3286, MedGen C1631597, MONDO:0011484, OMIM 604772.

Allele frequency attached by ClinVar (database versions not stated): gnomAD exomes below 0.00001; gnomAD 0.00001; TOPMed 0.00001.
gnomAD v4.1: 3 of 1,572,876 alleles (0.00019%); highest among the groups gnomAD compares: Admixed American, 0.0019%; no homozygotes.

Submission:

Labcorp Genetics (formerly Invitae), Labcorp
Classification: Uncertain significance for Catecholaminergic polymorphic ventricular tachycardia 1. Last evaluated: 2022-08-20. Review status: criteria provided, single submitter. Criteria: Invitae Variant Classification Sherloc (09022015). Collection method: clinical testing. Allele origin: germline.
Comment: In summary, the available evidence is currently insufficient to determine the role of this variant in disease. Therefore, it has been classified as a Variant of Uncertain Significance. Algorithms developed to predict the effect of sequence changes on RNA splicing suggest that this variant may create or strengthen a splice site. This variant has not been reported in the literature in individuals affected with RYR2-related conditions. This variant is not present in population databases (gnomAD no frequency). This sequence change falls in intron 32 of the RYR2 gene. It does not directly change the encoded amino acid sequence of the RYR2 protein.